The following is an entry in ClinVar:

ClinVar aggregate classification (germline): Uncertain significance (1 of 4 stars; one submission).

Conditions:
Pontocerebellar hypoplasia type 2C (PCH2C). Identifiers: Orphanet 2524, MedGen C2676465, MONDO:0012891, OMIM 612390.

Submission:

Neuberg Centre For Genomic Medicine, NCGM
Classification: Uncertain significance for Pontocerebellar hypoplasia type 2C. Last evaluated: 2023-05-20. Review status: criteria provided, single submitter. Criteria: ACMG Guidelines, 2015. Collection method: clinical testing. Allele origin: germline. Inheritance: Autosomal recessive inheritance. Affected: yes.
Comment: The missense variant c.905C>T (p.Thr302Ile) in the TSEN34 gene has not been reported previously as a pathogenic variant nor as a benign variant, to our knowledge. This variant is reported with the allele frequency (0.001%) in the gnomAD Exomes. The amino acid Threonine at position 302 is changed to a Isoleucine changing protein sequence and it might alter its composition and physico-chemical properties. Multiple lines of computational evidence (Polyphen - Damaging, SIFT - Damaging and MutationTaster - Disease causing) predict a damaging effect on protein structure and function for this variant. The amino acid change p.Thr302Ile in TSEN34 is predicted as conserved by GERP++ and PhyloP across 100 vertebrates. For these reasons, this variant has been classified as Uncertain Significance.

NM_001077446.4(TSEN34):c.905C>T (p.Thr302Ile)

Gene: TSEN34 (tRNA splicing endonuclease subunit 34; plus strand). Cytogenetic location: 19q13.42.
Variant type: single nucleotide variant.
Coding change: c.905C>T on transcript NM_001077446.4 (MANE Select); coding-DNA position 905, C replaced by T.
Protein change: p.Thr302Ile; replaces threonine 302 with isoleucine.
Molecular consequence: missense variant. On other transcripts: intron variant (1).
Genome position (GRCh38, 1-based): chr19:54,193,334, C>T. VCF-style: chr19-54193334-C-T. GRCh37 (hg19) VCF-style: chr19-54697189-C-T.
Other names: c.905C>T, p.Thr302Ile (NM_001282332.2, NM_001386740.1, NM_024075.5); c.889+16C>T (NM_001282333.2); short protein forms T302I.
Identifiers: ClinVar variation 3367039 (VCV003367039.1).